The following is an entry in ClinVar:

NM_017837.4(PIGV):c.1445_1448dup (p.Leu484fs)

Gene: PIGV (phosphatidylinositol glycan anchor biosynthesis class V; plus strand). Cytogenetic location: 1p36.11.
Variant type: Duplication.
Coding change: c.1445_1448dup on transcript NM_017837.4 (MANE Select); coding-DNA positions 1445 to 1448, 4 bases duplicated (GACT; older notation c.1445_1448dupGACT).
Protein change: p.Leu484fs; shifts the reading frame from leucine 484.
Molecular consequence: frameshift variant. On other transcripts: non-coding transcript variant (2).
Genome position (GRCh38, 1-based): chr1:26,797,807-26,797,810, GACT duplicated. VCF-style (leftmost placement, unchanged base first): chr1-26797806-G-GGACT. GRCh37 (hg19) VCF-style: chr1-27124297-G-GGACT.
Other names: c.1445_1448dup, p.Leu484fs (NM_001202554.2, NM_001374478.1, NM_001374480.1 and 2 more transcripts); c.1064_1067dup, p.Leu357fs (NM_001374483.1); c.818_821dup, p.Leu275fs (NM_001374484.1, NM_001374485.1); c.323_326dup, p.Leu110fs (NM_001374486.1); short protein forms L110fs, L275fs, L357fs, L484fs.
Identifiers: ClinVar variation 3360507 (VCV003360507.1).
Genomic context (GRCh38, chr1:26,797,806, plus strand): 5'-AAAACCTGTTCTCCAGTCACACGATACATTCTAGGCTACTTCCTGACTTACTGGCTCCTG[G>GGACT]GACTACTCCTACATTGCAACTTCCTGCCTTGGACATGACCTGGACTCTCCAGGGACAGGT-3'

ClinVar aggregate classification (germline): Uncertain significance (1 of 4 stars; one submission).

Submission:

GeneDx
Classification: Uncertain significance. Last evaluated: 2023-06-30. Review status: criteria provided, single submitter. Criteria: GeneDx Variant Classification Process June 2021. Collection method: clinical testing. Allele origin: germline. Affected: yes.
Comment: Not observed at significant frequency in large population cohorts (gnomAD); Frameshift variant predicted to result in protein truncation as the last 10 amino acids are replaced with 28 different amino acids, although loss-of-function variants have not been reported downstream of this position in the protein; Has not been previously published as pathogenic or benign to our knowledge